The following is an entry in ClinVar:

NM_014714.4(IFT140):c.3373C>T (p.Leu1125Phe)

Gene: IFT140 (intraflagellar transport 140; minus strand). Cytogenetic location: 16p13.3.
Variant type: single nucleotide variant.
Coding change: c.3373C>T on transcript NM_014714.4 (MANE Select); coding-DNA position 3373, C replaced by T.
Protein change: p.Leu1125Phe; replaces leucine 1125 with phenylalanine.
Molecular consequence: missense variant.
Genome position (GRCh38, 1-based): chr16:1,523,598, G>A on the plus strand (C>T on the coding strand, the complement: IFT140 is on the minus strand). VCF-style: chr16-1523598-G-A. GRCh37 (hg19) VCF-style: chr16-1573599-G-A.
Other names: short protein forms L1125F.
Identifiers: ClinVar variation 955217 (VCV000955217.9), dbSNP rs1596302305, ClinGen allele CA394225307.

ClinVar aggregate classification (germline): Uncertain significance (1 of 4 stars; one submission).

Conditions:
Saldino-Mainzer syndrome (SRTD9). Also called: CONORENAL SYNDROME; SHORT-RIB THORACIC DYSPLASIA 9 WITHOUT POLYDACTYLY; short-rib thoracic dysplasia 9 with or without polydactyly; Renal dysplasia, retinal pigmentary dystrophy, cerebellar ataxia and skeletal dysplasia. Identifiers: Orphanet 140969, MedGen C1849437, MONDO:0009964, OMIM 266920.

Submission:

Labcorp Genetics (formerly Invitae), Labcorp
Classification: Uncertain significance for Saldino-Mainzer syndrome. Last evaluated: 2019-10-29. Review status: criteria provided, single submitter. Criteria: Invitae Variant Classification Sherloc (09022015). Collection method: clinical testing. Allele origin: germline.
Comment: This sequence change replaces leucine with phenylalanine at codon 1125 of the IFT140 protein (p.Leu1125Phe). The leucine residue is moderately conserved and there is a small physicochemical difference between leucine and phenylalanine. This variant is not present in population databases (ExAC no frequency). This variant has not been reported in the literature in individuals with IFT140-related conditions. Algorithms developed to predict the effect of missense changes on protein structure and function are either unavailable or do not agree on the potential impact of this missense change (SIFT: "Deleterious"; PolyPhen-2: "Probably Damaging"; Align-GVGD: "Class C0"). In summary, the available evidence is currently insufficient to determine the role of this variant in disease. Therefore, it has been classified as a Variant of Uncertain Significance.